The following is an entry in ClinVar:

NM_024642.5(GALNT12):c.621C>A (p.Gly207=)

Gene: GALNT12 (polypeptide N-acetylgalactosaminyltransferase 12; plus strand). Cytogenetic location: 9q22.33.
Variant type: single nucleotide variant.
Coding change: c.621C>A on transcript NM_024642.5 (MANE Select); coding-DNA position 621, C replaced by A.
Protein change: p.Gly207=; no amino-acid change (glycine 207 retained).
Molecular consequence: synonymous variant.
Genome position (GRCh38, 1-based): chr9:98,826,831, C>A. VCF-style: chr9-98826831-C-A. GRCh37 (hg19) VCF-style: chr9-101589113-C-A.
Identifiers: ClinVar variation 4875755 (VCV004875755.1).

ClinVar aggregate classification (germline): Benign (1 of 4 stars; one submission).

Conditions:
Colorectal cancer, susceptibility to, 1. Also called: COLORECTAL ADENOMA AND CANCER, SUSCEPTIBILITY TO; COLORECTAL CANCER, SUSCEPTIBILITY TO, ON CHROMOSOME 9. Identifiers: MedGen C1837315, MONDO:0012132, OMIM 608812.

Submission:

Myriad Genetics, Inc.
Classification: Benign for Colorectal cancer, susceptibility to, 1. Last evaluated: 2026-04-24. Review status: criteria provided, single submitter. Criteria: Myriad Autosomal Dominant, Autosomal Recessive and X-Linked Classification Criteria (2023). Collection method: clinical testing. Allele origin: unknown.
Comment: This variant is considered benign. This variant is a silent/synonymous amino acid change and it is not expected to impact splicing.